The following is an entry in ClinVar:

ClinVar aggregate classification (germline): Likely pathogenic (1 of 4 stars; one submission).

Conditions:
Loeys-Dietz syndrome 4 (LDS4). Also called: TGFB2-Related Loeys-Dietz Syndrome; ANEURYSM, AORTIC AND CEREBRAL, WITH ARTERIAL TORTUOSITY AND SKELETAL MANIFESTATIONS. Identifiers: MedGen C3553762, MONDO:0013897, OMIM 614816.

Submission:

Labcorp Genetics (formerly Invitae), Labcorp
Classification: Likely pathogenic for Loeys-Dietz syndrome 4. Last evaluated: 2019-04-14. Review status: criteria provided, single submitter. Criteria: Invitae Variant Classification Sherloc (09022015). Collection method: clinical testing. Allele origin: germline.
Comment: Loss-of-function variants in TGFB2 are known to be pathogenic (PMID: 22772368, 22772371). This variant results in a copy number gain of the genomic region encompassing exon 2 of the TGFB2 gene. While the exact position of this variant cannot be determined from this data, sub-genic copy number gains are generally in tandem (PMID: 25640679) and may result in an absent or disrupted protein product. In summary, the currently available evidence indicates that the variant is pathogenic, but additional data are needed to prove that conclusively. Therefore, this variant has been classified as Likely Pathogenic.

Literature cited by the submitters: PubMed 22772368; PubMed 22772371; PubMed 25640679.

NC_000001.11:g.(?_218405159)_(218405342_?)dup

Gene: TGFB2 (transforming growth factor beta 2; plus strand). Cytogenetic location: 1q41.
Variant type: Duplication.
Identifiers: ClinVar variation 831257 (VCV000831257.47).